The following is an entry in ClinVar:

NM_000198.4(HSD3B2):c.133G>T (p.Glu45Ter)

Genes: HSD3B2 (hydroxy-delta-5-steroid dehydrogenase, 3 beta- and steroid delta-isomerase 2; plus strand), LOC109029530 (HSD3B2 5' regulatory region; plus strand). Cytogenetic location: 1p12.
Variant type: single nucleotide variant.
Coding change: c.133G>T on transcript NM_000198.4 (MANE Select); coding-DNA position 133, G replaced by T.
Protein change: p.Glu45Ter; replaces glutamic acid 45 with a stop codon.
Molecular consequence: nonsense.
Genome position (GRCh38, 1-based): chr1:119,415,552, G>T. VCF-style: chr1-119415552-G-T. GRCh37 (hg19) VCF-style: chr1-119958175-G-T.
Other names: c.133G>T, p.Glu45Ter (NM_001166120.2); short protein forms E45*.
Identifiers: ClinVar variation 2697329 (VCV002697329.3), dbSNP rs2526373514, ClinGen allele CA341394279.
Genomic context (GRCh38, chr1:119,415,552, plus strand): 5'-GAGAAGGAACTGAAGGAGATCAGGGCCTTGGACAAGGCCTTCAGACCAGAATTGAGAGAG[G>T]AATTTTCTAGTAAGTAAACTTGAGTCATGGGTCTGTGGCTCCATCTTAAACTCTGCATGG-3'

ClinVar aggregate classification (germline): Pathogenic (1 of 4 stars; one submission).

Submission:

Labcorp Genetics (formerly Invitae), Labcorp
Classification: Pathogenic. Last evaluated: 2023-11-20. Review status: criteria provided, single submitter. Criteria: Invitae Variant Classification Sherloc (09022015). Collection method: clinical testing. Allele origin: germline.
Comment: This sequence change creates a premature translational stop signal (p.Glu45*) in the HSD3B2 gene. It is expected to result in an absent or disrupted protein product. Loss-of-function variants in HSD3B2 are known to be pathogenic (PMID: 11196452). This variant is not present in population databases (gnomAD no frequency). This variant has not been reported in the literature in individuals affected with HSD3B2-related conditions. For these reasons, this variant has been classified as Pathogenic.

Literature cited by the submitters: PubMed 11196452.